The following is an entry in ClinVar:

ClinVar aggregate classification (germline): Uncertain significance (1 of 4 stars; one submission).

Conditions:
Oligodontia-cancer predisposition syndrome. Also called: TOOTH AGENESIS-COLORECTAL CANCER SYNDROME. Identifiers: Orphanet 300576, MedGen C1837750, MONDO:0012075, OMIM 608615. Disease mechanism: loss of function.

Submission:

Labcorp Genetics (formerly Invitae), Labcorp
Classification: Uncertain significance for Oligodontia-cancer predisposition syndrome. Last evaluated: 2019-12-25. Review status: criteria provided, single submitter. Criteria: Invitae Variant Classification Sherloc (09022015). Collection method: clinical testing. Allele origin: germline.
Comment: Algorithms developed to predict the effect of missense changes on protein structure and function (SIFT, PolyPhen-2, Align-GVGD) all suggest that this variant is likely to be disruptive, but these predictions have not been confirmed by published functional studies and their clinical significance is uncertain. This variant has not been reported in the literature in individuals with AXIN2-related conditions. This variant is not present in population databases (ExAC no frequency). This sequence change replaces glutamic acid with valine at codon 819 of the AXIN2 protein (p.Glu819Val). The glutamic acid residue is highly conserved and there is a moderate physicochemical difference between glutamic acid and valine. In summary, the available evidence is currently insufficient to determine the role of this variant in disease. Therefore, it has been classified as a Variant of Uncertain Significance.

NM_004655.4(AXIN2):c.2456A>T (p.Glu819Val)

Gene: AXIN2 (axin 2; minus strand). Cytogenetic location: 17q24.1.
Variant type: single nucleotide variant.
Coding change: c.2456A>T on transcript NM_004655.4 (MANE Select); coding-DNA position 2456, A replaced by T.
Protein change: p.Glu819Val; replaces glutamic acid 819 with valine.
Molecular consequence: missense variant.
Genome position (GRCh38, 1-based): chr17:65,530,052, T>A on the plus strand (A>T on the coding strand, the complement: AXIN2 is on the minus strand). VCF-style: chr17-65530052-T-A. GRCh37 (hg19) VCF-style: chr17-63526170-T-A.
Other names: c.2261A>T, p.Glu754Val (NM_001363813.1); short protein forms E754V, E819V.
Identifiers: ClinVar variation 859420 (VCV000859420.10), dbSNP rs2043790677, ClinGen allele CA400674873.